The following is an entry in ClinVar:

ClinVar aggregate classification (germline): Uncertain significance (1 of 4 stars; one submission).

Conditions:
Hereditary pancreatitis (PCTT). Also called: Hereditary chronic pancreatitis; PRSS1-Related Hereditary Pancreatitis. Identifiers: Orphanet 676, MedGen C0238339, MONDO:0008185, OMIM 167800.

Submission:

Ambry Genetics
Classification: Uncertain significance for Hereditary pancreatitis. Last evaluated: 2014-06-24. Review status: criteria provided, single submitter. Criteria: Ambry Variant Classification Scheme 2023. Collection method: clinical testing. Allele origin: germline.
Comment: The p.C58R variant (also known as c.172T>C), located in coding exon 3 of the SPINK1 gene, results from a T to C substitution at nucleotide position 172. The cysteine at codon 58 is replaced by arginine, an amino acid with highly dissimilar properties. This variant was not reported in population based cohorts in the following databases: Database of Single Nucleotide Polymorphisms (dbSNP), NHLBI Exome Sequencing Project (ESP), and 1000 Genomes Project. In the ESP, this variant was not observed in 6503 samples (13006 alleles) with coverage at this position. This amino acid position is highly conserved in available vertebrate species. In addition, this alteration is predicted to be deleterious by in silico analysis. It is unknown if this variant is in cis or trans with this known pathogenic mutation. Since clinical data on this variant is limited at this time, its clinical significance is unclear.

NM_001379610.1(SPINK1):c.172T>C (p.Cys58Arg)

Gene: SPINK1 (serine peptidase inhibitor Kazal type 1; minus strand). Cytogenetic location: 5q32.
Variant type: single nucleotide variant.
Coding change: c.172T>C on transcript NM_001379610.1 (MANE Select); coding-DNA position 172, T replaced by C.
Protein change: p.Cys58Arg; replaces cysteine 58 with arginine.
Molecular consequence: missense variant.
Genome position (GRCh38, 1-based): chr5:147,828,044, A>G on the plus strand (T>C on the coding strand, the complement: SPINK1 is on the minus strand). VCF-style: chr5-147828044-A-G. GRCh37 (hg19) VCF-style: chr5-147207607-A-G.
Other names: c.172T>C, p.Cys58Arg (NM_001354966.2, NM_003122.5); short protein forms C58R.
Identifiers: ClinVar variation 1778962 (VCV001778962.2), dbSNP rs2480198905, ClinGen allele CA361885207.